The following is an entry in ClinVar:

ClinVar aggregate classification (germline): Uncertain significance (1 of 4 stars; one submission).

Submission:

Labcorp Genetics (formerly Invitae), Labcorp
Classification: Uncertain significance. Last evaluated: 2021-05-17. Review status: criteria provided, single submitter. Criteria: Invitae Variant Classification Sherloc (09022015). Collection method: clinical testing. Allele origin: germline.
Comment: This sequence change replaces glycine with arginine at codon 21 of the FZD2 protein (p.Gly21Arg). The glycine residue is moderately conserved and there is a moderate physicochemical difference between glycine and arginine. In summary, the available evidence is currently insufficient to determine the role of this variant in disease. Therefore, it has been classified as a Variant of Uncertain Significance. Algorithms developed to predict the effect of missense changes on protein structure and function (SIFT, PolyPhen-2, Align-GVGD) all suggest that this variant is likely to be tolerated, but these predictions have not been confirmed by published functional studies and their clinical significance is uncertain. This variant has not been reported in the literature in individuals with FZD2-related conditions. This variant is present in population databases (rs147715817, ExAC 0.005%).

NM_001466.4(FZD2):c.61G>A (p.Gly21Arg)

Gene: FZD2 (frizzled class receptor 2; plus strand). Cytogenetic location: 17q21.31.
Variant type: single nucleotide variant.
Coding change: c.61G>A on transcript NM_001466.4 (MANE Select); coding-DNA position 61, G replaced by A.
Protein change: p.Gly21Arg; replaces glycine 21 with arginine.
Molecular consequence: missense variant.
Genome position (GRCh38, 1-based): chr17:44,557,749, G>A. VCF-style: chr17-44557749-G-A. GRCh37 (hg19) VCF-style: chr17-42635117-G-A.
Other names: short protein forms G21R.
Identifiers: ClinVar variation 1404690 (VCV001404690.8), dbSNP rs147715817, ClinGen allele CA8604606.